The following is an entry in ClinVar:

ClinVar aggregate classification (germline): Pathogenic (1 of 4 stars; one submission).

Submission:

Labcorp Genetics (formerly Invitae), Labcorp
Classification: Pathogenic. Last evaluated: 2023-04-13. Review status: criteria provided, single submitter. Criteria: Invitae Variant Classification Sherloc (09022015). Collection method: clinical testing. Allele origin: germline.
Comment: For these reasons, this variant has been classified as Pathogenic. This variant has not been reported in the literature in individuals affected with SEPSECS-related conditions. This variant is not present in population databases (gnomAD no frequency). This sequence change creates a premature translational stop signal (p.Leu212Thrfs*4) in the SEPSECS gene. It is expected to result in an absent or disrupted protein product. Loss-of-function variants in SEPSECS are known to be pathogenic (PMID: 25558065, 25590979, 26115735).

Literature cited by the submitters: PubMed 25558065; PubMed 25590979; PubMed 26115735.

NM_016955.4(SEPSECS):c.633dup (p.Leu212fs)

Gene: SEPSECS (Sep (O-phosphoserine) tRNA:Sec (selenocysteine) tRNA synthase; minus strand). Cytogenetic location: 4p15.2.
Variant type: Duplication.
Coding change: c.633dup on transcript NM_016955.4 (MANE Select); coding-DNA position 633, one base duplicated (A; older notation c.633dupA).
Protein change: p.Leu212fs; shifts the reading frame from leucine 212.
Molecular consequence: frameshift variant.
Genome position (GRCh38, 1-based): chr4:25,155,066, T duplicated on the plus strand (A on the coding strand, the reverse complement: SEPSECS is on the minus strand); the first of 2 consecutive T bases (chr4:25,155,066-25,155,067); duplicating either gives the same sequence. VCF-style (leftmost placement, unchanged base first): chr4-25155065-G-GT. GRCh37 (hg19) VCF-style: chr4-25156687-G-GT.
Other names: c.888dup, p.Leu297fs (NM_001410714.1); c.632dup, p.Leu212Thrfs (NM_153825.2); short protein forms L297fs, L212fs.
Identifiers: ClinVar variation 2855944 (VCV002855944.3), dbSNP rs2474678156, ClinGen allele CA2739270038.
Genomic context (GRCh38, chr4:25,155,065, plus strand): 5'-GCACCCTTGGAGCAAAACAGGATGTAGTAGAATGAATACACAGAATGCAATCAGGCCCAA[G>GT]TTCCTGGACTTTAGCCTCCACTGCTTTCAGGTCTGTACGCAGCTCGTCACCTTCCAAAAC-3'